The following is an entry in ClinVar:

ClinVar aggregate classification (germline): Uncertain significance. Review status: criteria provided, multiple submitters, no conflicts (2 of 4 stars). 3 submissions from 3 submitters: Uncertain significance (3). Last evaluated 2025-11-03.

Conditions:
Arrhythmogenic right ventricular dysplasia 5. Also called: ARRHYTHMOGENIC RIGHT VENTRICULAR DYSPLASIA, FAMILIAL, 5; Arrhythmogenic Right Ventricular Dysplasia/Cardiomyopathy 5. Identifiers: MedGen C1858379, MONDO:0011459, OMIM 604400.
Auditory neuropathy, autosomal dominant 3 (AUNA3). Identifiers: MedGen C5676964, MONDO:0859235, OMIM 619832.
Emery-Dreifuss muscular dystrophy 7, autosomal dominant (EDMD7). Also called: Emery-Dreifuss muscular dystrophy 7, AD. Identifiers: Orphanet 261, MedGen C3553060, MONDO:0013677, OMIM 614302.
Cardiovascular phenotype. Identifiers: MedGen CN230736.

Allele frequency attached by ClinVar (database versions not stated): gnomAD exomes below 0.00001; ExAC 0.00001; gnomAD 0.00001; TOPMed 0.00001; 1000 Genomes Project 0.00020; 1000 Genomes Project 30x 0.00031.
gnomAD v4.1: 3 of 1,614,130 alleles (0.00019%); highest among the groups gnomAD compares: African/African-American, 0.0027%; no homozygotes.

Submissions (3):

Labcorp Genetics (formerly Invitae), Labcorp
Classification: Uncertain significance for Arrhythmogenic right ventricular dysplasia 5. Last evaluated: 2025-11-03. Review status: criteria provided, single submitter. Criteria: Invitae Variant Classification Sherloc (09022015). Collection method: clinical testing. Allele origin: germline.
Comment: This sequence change replaces alanine, which is neutral and non-polar, with valine, which is neutral and non-polar, at codon 172 of the TMEM43 protein (p.Ala172Val). This variant is present in population databases (rs553757132, gnomAD 0.003%). This variant has not been reported in the literature in individuals affected with TMEM43-related conditions. ClinVar contains an entry for this variant (Variation ID: 953733). An algorithm developed to predict the effect of missense changes on protein structure and function (PolyPhen-2) suggests that this variant is likely to be tolerated. In summary, the available evidence is currently insufficient to determine the role of this variant in disease. Therefore, it has been classified as a Variant of Uncertain Significance.

Fulgent Genetics
Classification: Uncertain significance for Arrhythmogenic right ventricular dysplasia 5; Emery-Dreifuss muscular dystrophy 7, autosomal dominant; Auditory neuropathy, autosomal dominant 3. Last evaluated: 2021-10-08. Review status: criteria provided, single submitter. Criteria: ACMG Guidelines, 2015. Collection method: clinical testing. Allele origin: unknown.

Ambry Genetics
Classification: Uncertain significance for Cardiovascular phenotype. Last evaluated: 2021-04-30. Review status: criteria provided, single submitter. Criteria: Ambry Variant Classification Scheme 2023. Collection method: clinical testing. Allele origin: germline.
Comment: The p.A172V variant (also known as c.515C>T), located in coding exon 7 of the TMEM43 gene, results from a C to T substitution at nucleotide position 515. The alanine at codon 172 is replaced by valine, an amino acid with similar properties. This amino acid position is highly conserved in available vertebrate species. In addition, this alteration is predicted to be tolerated by in silico analysis. Since supporting evidence is limited at this time, the clinical significance of this alteration remains unclear.

NM_024334.3(TMEM43):c.515C>T (p.Ala172Val)

Gene: TMEM43 (transmembrane protein 43; plus strand). Cytogenetic location: 3p25.1.
Variant type: single nucleotide variant.
Coding change: c.515C>T on transcript NM_024334.3 (MANE Select); coding-DNA position 515, C replaced by T.
Protein change: p.Ala172Val; replaces alanine 172 with valine.
Molecular consequence: missense variant.
Genome position (GRCh38, 1-based): chr3:14,133,741, C>T. VCF-style: chr3-14133741-C-T. GRCh37 (hg19) VCF-style: chr3-14175241-C-T.
Other names: short protein forms A172V.
Identifiers: ClinVar variation 953733 (VCV000953733.11), dbSNP rs553757132, ClinGen allele CA054210.